The following is an entry in ClinVar:

ClinVar aggregate classification (germline): Pathogenic/Likely pathogenic. Review status: criteria provided, multiple submitters, no conflicts (2 of 4 stars). 3 submissions from 3 submitters: Pathogenic (2); Likely pathogenic (1). Last evaluated 2025-12-02.

Conditions:
Cobalamin C disease. Also called: Cobalamin-C methylmalonic acidemia and homocystinuria; Methylmalonic acidemia and homocystinuria cblC type; methylmalonic aciduria and homocystinuria type cblC; Methylmalonic aciduria and homocystinuria, Vitamin B12-responsive; Vitamin B12 metabolic defect with combined deficiency of methylmalonyl-CoA mutase and homocysteine:methyltetrahydrofolate methyltransferase; Methylmalonic aciduria with homocystinuria cblC type. Identifiers: Orphanet 26, Orphanet 79282, MedGen C1848561, MONDO:0010184, OMIM 277400.

Submissions (3):

Myriad Genetics, Inc.
Classification: Pathogenic for Cobalamin C disease. Last evaluated: 2025-12-02. Review status: criteria provided, single submitter. Criteria: Myriad Autosomal Dominant, Autosomal Recessive and X-Linked Classification Criteria (2023). Collection method: clinical testing. Allele origin: unknown.
Comment: NM_015506.2(MMACHC):c.603_604delTG(D202Lfs*42) is a frameshift variant classified as pathogenic in the context of methylmalonic aciduria and homocystinuria, cblC type. D202Lfs*42 has not been observed in cases with relevant disease. Relevant functional assessments of this variant are not available in the literature. D202Lfs*42 has not been observed in referenced population frequency databases. In summary, NM_015506.2(MMACHC):c.603_604delTG(D202Lfs*42) is a frameshift variant in a gene where loss of function is a known mechanism of disease and is predicted to disrupt protein function. Please note: this variant was assessed in the context of healthy population screening.

Natera, Inc.
Classification: Likely pathogenic for Methylmalonic aciduria and homocystinuria cblC type. Last evaluated: 2025-05-11. Review status: criteria provided, single submitter. Criteria: Natera Variant Classification Schema (03/2026). Collection method: clinical testing. Allele origin: germline.
Comment: The c.603_604del variant in MMACHC is a frameshift variant predicted to shift the reading frame beginning at codon 202 and leads to a stop codon 42 codons downstream. This variant is expected to result in nonsense mediated decay, truncation, or a dysfunctional protein product. This variant is rare in the general population with a frequency below the threshold expected for the associated phenotype(s). Given the available evidence, this variant is classified as Likely Pathogenic.

Labcorp Genetics (formerly Invitae), Labcorp
Classification: Pathogenic for Cobalamin C disease. Last evaluated: 2021-12-30. Review status: criteria provided, single submitter. Criteria: Invitae Variant Classification Sherloc (09022015). Collection method: clinical testing. Allele origin: germline.
Comment: For these reasons, this variant has been classified as Pathogenic. This variant disrupts a region of the MMACHC protein in which other variant(s) (p.Asp207Glyfs*38, p.Trp203*, p.Tyr205*) have been determined to be pathogenic (PMID: 16311595, 20631720, 23954310, 25388550, 25772322, 26270766). This suggests that this is a clinically significant region of the protein, and that variants that disrupt it are likely to be disease-causing. ClinVar contains an entry for this variant (Variation ID: 942483). This variant has not been reported in the literature in individuals affected with MMACHC-related conditions. This variant is not present in population databases (gnomAD no frequency). This sequence change creates a premature translational stop signal (p.Asp202Leufs*42) in the MMACHC gene. While this is not anticipated to result in nonsense mediated decay, it is expected to disrupt the last 81 amino acid(s) of the MMACHC protein.

Literature cited by the submitters: PubMed 16311595 (cited by Labcorp Genetics (formerly Invitae), Labcorp); PubMed 20631720 (cited by Labcorp Genetics (formerly Invitae), Labcorp); PubMed 23954310 (cited by Labcorp Genetics (formerly Invitae), Labcorp); PubMed 25388550 (cited by Labcorp Genetics (formerly Invitae), Labcorp); PubMed 25772322 (cited by Labcorp Genetics (formerly Invitae), Labcorp); PubMed 26270766 (cited by Labcorp Genetics (formerly Invitae), Labcorp).

NM_015506.3(MMACHC):c.603_604del (p.Asp202fs)

Genes: MMACHC (metabolism of cobalamin associated C; plus strand), LOC129930446 (ATAC-STARR-seq lymphoblastoid active region 972; plus strand). Cytogenetic location: 1p34.1.
Variant type: Deletion.
Coding change: c.603_604del on transcript NM_015506.3 (MANE Select); coding-DNA positions 603 to 604, 2 bases deleted (TG; older notation c.603_604delTG).
Protein change: p.Asp202fs; shifts the reading frame from aspartic acid 202.
Molecular consequence: frameshift variant.
Genome position (GRCh38, 1-based): chr1:45,508,969-45,508,970, TG deleted; deleting any 2 consecutive bases within chr1:45,508,968-45,508,970 gives the same sequence; the c. name uses the placement nearest the transcript's 3' end. VCF-style (leftmost placement, unchanged base first): chr1-45508967-CGT-C. GRCh37 (hg19) VCF-style: chr1-45974639-CGT-C.
Other names: c.432_433del, p.Asp145fs (NM_001330540.2); short protein forms D145fs, D202fs.
Identifiers: ClinVar variation 942483 (VCV000942483.14), dbSNP rs1643682280, ClinGen allele CA1139656103.